The following is an entry in ClinVar:

NM_001267550.2(TTN):c.97011del (p.Ala32338fs)

Genes: TTN-AS1 (TTN antisense RNA 1; plus strand), TTN (titin; minus strand). Cytogenetic location: 2q31.2.
Variant type: Deletion.
Coding change: c.97011del on transcript NM_001267550.2 (MANE Select); coding-DNA position 97011, one base deleted (T; older notation c.97011delT).
Protein change: p.Ala32338fs; shifts the reading frame from alanine 32338.
Molecular consequence: frameshift variant.
Genome position (GRCh38, 1-based): chr2:178,542,843, A deleted on the plus strand (T on the coding strand, the reverse complement: TTN is on the minus strand). VCF-style (leftmost placement, unchanged base first): chr2-178542842-CA-C. GRCh37 (hg19) VCF-style: chr2-179407569-CA-C.
Other names: c.92088del, p.Ala30697fs (NM_001256850.1); c.69816del, p.Ala23273fs (NM_003319.4); c.89307del, p.Ala29770fs (NM_133378.4); c.70191del, p.Ala23398fs (NM_133432.3); c.70392del, p.Ala23465fs (NM_133437.4); short protein forms A32338fs, A23273fs, A23465fs, A29770fs, A30697fs, A23398fs.
Identifiers: ClinVar variation 2954443 (VCV002954443.3), dbSNP rs2468905869, ClinGen allele CA2740095967.

ClinVar aggregate classification (germline): Likely pathogenic (1 of 4 stars; one submission).

Conditions:
Autosomal recessive limb-girdle muscular dystrophy type 2J (LGMDR10). Also called: Limb-girdle muscular dystrophy, type 2J; MUSCULAR DYSTROPHY, LIMB-GIRDLE, AUTOSOMAL RECESSIVE 10. Identifiers: Orphanet 140922, MedGen C1837342, MONDO:0012127, OMIM 608807.
Dilated cardiomyopathy 1G (CMD1G). Identifiers: Orphanet 154, MedGen C1858763, MONDO:0011400, OMIM 604145.

Submission:

Labcorp Genetics (formerly Invitae), Labcorp
Classification: Likely pathogenic for Dilated cardiomyopathy 1G; Autosomal recessive limb-girdle muscular dystrophy type 2J. Last evaluated: 2023-12-05. Review status: criteria provided, single submitter. Criteria: Invitae Variant Classification Sherloc (09022015). Collection method: clinical testing. Allele origin: germline.
Comment: This sequence change creates a premature translational stop signal (p.Ala32338Leufs*10) in the TTN gene. While this is not anticipated to result in nonsense mediated decay, it is expected to create a truncated TTN protein. This variant is not present in population databases (gnomAD no frequency). This variant has not been reported in the literature in individuals affected with TTN-related conditions. This variant is located in the A band of TTN (PMID: 25589632). Truncating variants in this region are significantly overrepresented in patients affected with dilated cardiomyopathy (PMID: 25589632). Truncating variants in this region have also been reported in individuals affected with autosomal recessive centronuclear myopathy (PMID: 23975875). In summary, the currently available evidence indicates that the variant is pathogenic, but additional data are needed to prove that conclusively. Therefore, this variant has been classified as Likely Pathogenic.

Literature cited by the submitters: PubMed 25589632; PubMed 23975875.